The following is an entry in ClinVar:

ClinVar aggregate classification (germline): Likely pathogenic (1 of 4 stars; one submission).

Conditions:
Immunodeficiency, common variable, 14. Identifiers: Orphanet 696904, MedGen C4540380, MONDO:0054691, OMIM 617765.

Submission:

Department of Pediatrics, GMC Srinagar, Government Medical College Srinagar
Classification: Likely pathogenic for Immunodeficiency, common variable, 14. Last evaluated: 2026-10-25. Review status: criteria provided, single submitter. Criteria: ACMG Guidelines, 2015. Collection method: clinical testing. Allele origin: germline. Affected: yes. Observed: 1 variant allele, 1 heterozygote.
Comment: This variant is classified as likely pathogenic as it is a frameshift indel variant (LOF is mechanism of disease, affects functionally important C-terminus RING-type zinc finger domain) and is extremely rare in population databases [e.g., gnomAD v.4.1.2: overall (exomes+genomes) allele count of 1 (AF: 0.0000006195)].

NM_182972.3(IRF2BP2):c.1604_1607del (p.Arg535fs)

Gene: IRF2BP2 (interferon regulatory factor 2 binding protein 2; minus strand). Cytogenetic location: 1q42.3.
Variant type: Deletion.
Coding change: c.1604_1607del on transcript NM_182972.3 (MANE Select); coding-DNA positions 1604 to 1607, 4 bases deleted (GACA; older notation c.1604_1607delGACA).
Protein change: p.Arg535fs; shifts the reading frame from arginine 535.
Molecular consequence: frameshift variant.
Genome position (GRCh38, 1-based): chr1:234,607,294-234,607,297, TGTC deleted on the plus strand (GACA on the coding strand, the reverse complement: IRF2BP2 is on the minus strand); deleting any 4 consecutive bases within chr1:234,607,294-234,607,299 gives the same sequence; the c. name uses the placement nearest the transcript's 3' end. VCF-style (leftmost placement, unchanged base first): chr1-234607293-TTGTC-T. GRCh37 (hg19) VCF-style: chr1-234743039-TTGTC-T.
Other names: c.1556_1559del, p.Arg519fs (NM_001077397.1); short protein forms R519fs, R535fs.
Identifiers: ClinVar variation 5036681 (VCV005036681.1).